The following is an entry in ClinVar:

NM_201384.3(PLEC):c.12973A>G (p.Ser4325Gly)

Gene: PLEC (plectin; minus strand). Cytogenetic location: 8q24.3.
Variant type: single nucleotide variant.
Coding change: c.12973A>G on transcript NM_201384.3 (MANE Select); coding-DNA position 12973, A replaced by G.
Protein change: p.Ser4325Gly; replaces serine 4325 with glycine.
Molecular consequence: missense variant.
Genome position (GRCh38, 1-based): chr8:143,916,848, T>C on the plus strand (A>G on the coding strand, the complement: PLEC is on the minus strand). VCF-style: chr8-143916848-T-C. GRCh37 (hg19) VCF-style: chr8-144991016-T-C.
Other names: c.12973A>G, p.Ser4325Gly (NM_201382.4); c.12985A>G, p.Ser4329Gly (NM_201383.3); c.13054A>G (NM_000445.4); c.13054A>G, p.Ser4352Gly (NM_000445.5); c.9673A>G, p.Ser3225Gly (NM_001410941.1); c.12931A>G, p.Ser4311Gly (NM_201378.4); c.12907A>G, p.Ser4303Gly (NM_201379.3); c.13384A>G, p.Ser4462Gly (NM_201380.4); and 1 more; short protein forms S4311G, S4325G, S4352G, S4329G, S4462G, S4303G, S3225G, S4293G.
Identifiers: ClinVar variation 2569475 (VCV002569475.4), dbSNP rs2539174292, ClinGen allele CA372477617.

ClinVar aggregate classification (germline): Uncertain significance. Review status: criteria provided, multiple submitters, no conflicts (2 of 4 stars). 2 submissions from 2 submitters: Uncertain significance (2). Last evaluated 2025-01-07.

Conditions:
Inborn genetic diseases. Identifiers: MedGen C0950123, MeSH D030342.
PLEC-related disorder. Also called: PLEC-related condition; PLEC-related disorders.

Submissions (2):

PreventionGenetics, part of Exact Sciences
Classification: Uncertain significance for PLEC-related condition. Last evaluated: 2025-01-07. Review status: criteria provided, single submitter. Criteria: ACMG Guidelines, 2015. Collection method: clinical testing. Allele origin: germline.
Comment: The PLEC c.13054A>G variant is predicted to result in the amino acid substitution p.Ser4352Gly. To our knowledge, this variant has not been reported in the literature or in a large population database (gnomAD), indicating this variant is rare. At this time, the clinical significance of this variant is uncertain due to the absence of conclusive functional and genetic evidence.

Ambry Genetics
Classification: Uncertain significance for Inborn genetic diseases. Last evaluated: 2023-04-07. Review status: criteria provided, single submitter. Criteria: Ambry Variant Classification Scheme 2023. Collection method: clinical testing. Allele origin: germline.